The following is an entry in ClinVar:

ClinVar aggregate classification (germline): Benign. Review status: criteria provided, multiple submitters, no conflicts (2 of 4 stars). 3 submissions from 3 submitters: Benign (2). 1 of the submissions does not count toward it. Last evaluated 2023-04-01.

Conditions:
BVES-related disorder. Also called: BVES-related condition.

Allele frequency attached by ClinVar (database versions not stated): gnomAD exomes 0.00138; ExAC 0.00151; 1000 Genomes Project 30x 0.00203; 1000 Genomes Project 0.00220; gnomAD 0.00001 and 0.00029; TOPMed 0.00008; ESP Exome Variant Server 0.00015.
gnomAD v4.1: 864 of 1,614,050 alleles (0.054%); highest among the groups gnomAD compares: South Asian, 0.85%; 9 homozygotes.

Submissions (3):

CeGaT Center for Human Genetics Tuebingen
Classification: Benign. Last evaluated: 2023-04-01. Review status: criteria provided, single submitter. Criteria: CeGaT Center For Human Genetics Tuebingen Variant Classification Criteria Version 2. Collection method: clinical testing. Allele origin: germline. Affected: yes. Observed: 1 variant allele.
Comment: POPDC1: BP4, BS1, BS2

Labcorp Genetics (formerly Invitae), Labcorp
Classification: Benign. Last evaluated: 2018-05-26. Review status: criteria provided, single submitter. Criteria: Invitae Variant Classification Sherloc (09022015). Collection method: clinical testing. Allele origin: germline.

PreventionGenetics, part of Exact Sciences
Classification: Benign for BVES-related condition. Last evaluated: 2019-11-16. Review status: no assertion criteria provided. Collection method: clinical testing. Allele origin: germline. Not counted in ClinVar's aggregate classification.
Comment: This variant is classified as benign based on ACMG/AMP sequence variant interpretation guidelines (Richards et al. 2015 PMID: 25741868, with internal and published modifications).

NM_001199563.2(POPDC1):c.407G>A (p.Arg136His)

Gene: POPDC1 (popeye domain cAMP effector 1; minus strand). Cytogenetic location: 6q21.
Variant type: single nucleotide variant.
Coding change: c.407G>A on transcript NM_001199563.2 (MANE Select); coding-DNA position 407, G replaced by A.
Protein change: p.Arg136His; replaces arginine 136 with histidine.
Molecular consequence: missense variant.
Genome position (GRCh38, 1-based): chr6:105,125,523, C>T on the plus strand (G>A on the coding strand, the complement: POPDC1 is on the minus strand). VCF-style: chr6-105125523-C-T. GRCh37 (hg19) VCF-style: chr6-105573398-C-T.
Other names: c.407G>A, p.Arg136His (NM_007073.4, NM_147147.4); short protein forms R136H.
Identifiers: ClinVar variation 788100 (VCV000788100.31), dbSNP rs143510978, ClinGen allele CA3941065.